The following is an entry in ClinVar:

NM_003924.4(PHOX2B):c.608A>T (p.Asn203Ile)

Gene: PHOX2B (paired like homeobox 2B; minus strand). Cytogenetic location: 4p13.
Variant type: single nucleotide variant.
Coding change: c.608A>T on transcript NM_003924.4 (MANE Select); coding-DNA position 608, A replaced by T.
Protein change: p.Asn203Ile; replaces asparagine 203 with isoleucine.
Molecular consequence: missense variant.
Genome position (GRCh38, 1-based): chr4:41,746,144, T>A on the plus strand (A>T on the coding strand, the complement: PHOX2B is on the minus strand). VCF-style: chr4-41746144-T-A. GRCh37 (hg19) VCF-style: chr4-41748161-T-A.
Other names: c.608A>T (NM_003924.3); short protein forms N203I.
Identifiers: ClinVar variation 1377090 (VCV001377090.7), dbSNP rs778887680, ClinGen allele CA356737759.

ClinVar aggregate classification (germline): Uncertain significance. Review status: criteria provided, multiple submitters, no conflicts (2 of 4 stars). 2 submissions from 2 submitters: Uncertain significance (2). Last evaluated 2026-02-14.

Conditions:
Hereditary cancer-predisposing syndrome. Also called: Hereditary neoplastic syndrome; Tumor predisposition; Neoplastic Syndromes, Hereditary; Hereditary Cancer Syndrome. Identifiers: Orphanet 140162, MedGen C0027672, MeSH D009386, MONDO:0015356.
Haddad syndrome (OHD). Also called: Ondine-Hirschsprung disease. Identifiers: Orphanet 99803, MedGen C1859049, MONDO:0020493.

Submissions (2):

Ambry Genetics
Classification: Uncertain significance for Hereditary cancer-predisposing syndrome. Last evaluated: 2026-02-14. Review status: criteria provided, single submitter. Criteria: Ambry Variant Classification Scheme 2023. Collection method: clinical testing. Allele origin: germline.
Comment: The p.N203I variant (also known as c.608A>T), located in coding exon 3 of the PHOX2B gene, results from an A to T substitution at nucleotide position 608. The asparagine at codon 203 is replaced by isoleucine, an amino acid with dissimilar properties. This amino acid position is conserved. In addition, this alteration is predicted to be tolerated by in silico analysis. Based on the available evidence, the clinical significance of this variant remains unclear.

Labcorp Genetics (formerly Invitae), Labcorp
Classification: Uncertain significance for Haddad syndrome. Last evaluated: 2023-07-28. Review status: criteria provided, single submitter. Criteria: Invitae Variant Classification Sherloc (09022015). Collection method: clinical testing. Allele origin: germline.
Comment: In summary, the available evidence is currently insufficient to determine the role of this variant in disease. Therefore, it has been classified as a Variant of Uncertain Significance. Advanced modeling of protein sequence and biophysical properties (such as structural, functional, and spatial information, amino acid conservation, physicochemical variation, residue mobility, and thermodynamic stability) performed at Invitae indicates that this missense variant is not expected to disrupt PHOX2B protein function. ClinVar contains an entry for this variant (Variation ID: 1377090). This variant has not been reported in the literature in individuals affected with PHOX2B-related conditions. This variant is not present in population databases (gnomAD no frequency). This sequence change replaces asparagine, which is neutral and polar, with isoleucine, which is neutral and non-polar, at codon 203 of the PHOX2B protein (p.Asn203Ile).